The following is an entry in ClinVar:

ClinVar aggregate classification (germline): Pathogenic. Review status: criteria provided, multiple submitters, no conflicts (2 of 4 stars). 2 submissions from 2 submitters: Pathogenic (2). Last evaluated 2024-03-26.

Conditions:
Cardiovascular phenotype. Identifiers: MedGen CN230736.
Hereditary hemorrhagic telangiectasia (HHT). Also called: ORW DISEASE; Osler Weber Rendu syndrome; OSLER-RENDU-WEBER DISEASE; Osler hemorrhagic telangiectasia syndrome. Identifiers: Orphanet 774, MedGen C0039445, MONDO:0019180. Disease mechanism: loss of function.

Submissions (2):

Labcorp Genetics (formerly Invitae), Labcorp
Classification: Pathogenic for Hereditary hemorrhagic telangiectasia. Last evaluated: 2024-03-26. Review status: criteria provided, single submitter. Criteria: Invitae Variant Classification Sherloc (09022015). Collection method: clinical testing. Allele origin: germline.
Comment: This sequence change creates a premature translational stop signal (p.Ser433Phefs*68) in the ENG gene. It is expected to result in an absent or disrupted protein product. Loss-of-function variants in ENG are known to be pathogenic (PMID: 15879500). This variant is not present in population databases (gnomAD no frequency). This variant has not been reported in the literature in individuals affected with ENG-related conditions. ClinVar contains an entry for this variant (Variation ID: 1769244). For these reasons, this variant has been classified as Pathogenic.

Ambry Genetics
Classification: Pathogenic for Cardiovascular phenotype. Last evaluated: 2021-02-25. Review status: criteria provided, single submitter. Criteria: Ambry Variant Classification Scheme 2023. Collection method: clinical testing. Allele origin: germline.
Comment: The c.1297dupT pathogenic mutation, located in coding exon 10 of the ENG gene, results from a duplication of T at nucleotide position 1297, causing a translational frameshift with a predicted alternate stop codon (p.S433Ffs*68). This alteration is expected to result in loss of function by premature protein truncation or nonsense-mediated mRNA decay. As such, this alteration is interpreted as a disease-causing mutation.

Literature cited by the submitters: PubMed 15879500 (cited by Labcorp Genetics (formerly Invitae), Labcorp).

NM_001114753.3(ENG):c.1297dup (p.Ser433fs)

Genes: ENG (endoglin; minus strand), LOC102723566 (uncharacterized LOC102723566; plus strand). Cytogenetic location: 9q34.11.
Variant type: Duplication.
Coding change: c.1297dup on transcript NM_001114753.3 (MANE Select); coding-DNA position 1297, one base duplicated (T; older notation c.1297dupT).
Protein change: p.Ser433fs; shifts the reading frame from serine 433.
Molecular consequence: frameshift variant.
Genome position (GRCh38, 1-based): chr9:127,819,636, A duplicated on the plus strand (T on the coding strand, the reverse complement: ENG is on the minus strand). VCF-style (leftmost placement, unchanged base first): chr9-127819635-G-GA. GRCh37 (hg19) VCF-style: chr9-130581914-G-GA.
Other names: c.1297dup, p.Ser433Phefs (NM_000118.4); c.751dup, p.Ser251fs (NM_001278138.2); short protein forms S433fs, S251fs.
Identifiers: ClinVar variation 1769244 (VCV001769244.4), dbSNP rs2539063240, ClinGen allele CA2580079577.